The following is an entry in ClinVar:

NM_000257.4(MYH7):c.475G>A (p.Asp159Asn)

Gene: MYH7 (myosin heavy chain 7; minus strand). Cytogenetic location: 14q11.2.
Variant type: single nucleotide variant.
Coding change: c.475G>A on transcript NM_000257.4 (MANE Select); coding-DNA position 475, G replaced by A.
Protein change: p.Asp159Asn; replaces aspartic acid 159 with asparagine.
Molecular consequence: missense variant.
Genome position (GRCh38, 1-based): chr14:23,432,666, C>T on the plus strand (G>A on the coding strand, the complement: MYH7 is on the minus strand). VCF-style: chr14-23432666-C-T. GRCh37 (hg19) VCF-style: chr14-23901875-C-T.
Other names: short protein forms D159N.
Identifiers: ClinVar variation 691816 (VCV000691816.8), dbSNP rs730880155, ClinGen allele CA389052744.

ClinVar aggregate classification (germline): Uncertain significance. Review status: criteria provided, multiple submitters, no conflicts (2 of 4 stars). 2 submissions from 2 submitters: Uncertain significance (2). Last evaluated 2024-06-12.

Conditions:
Left ventricular noncompaction cardiomyopathy. Also called: left ventricular non-compaction cardiomyopathy. Identifiers: MedGen C4021133, HP:0011664.
Hypertrophic cardiomyopathy. Also called: HYPERTROPHIC MYOCARDIOPATHY. Identifiers: Orphanet 217569, MedGen C0007194, MeSH D002312, MONDO:0005045, HP:0001639.

Submissions (2):

Labcorp Genetics (formerly Invitae), Labcorp
Classification: Uncertain significance for Hypertrophic cardiomyopathy. Last evaluated: 2024-06-12. Review status: criteria provided, single submitter. Criteria: Invitae Variant Classification Sherloc (09022015). Collection method: clinical testing. Allele origin: germline.
Comment: This sequence change replaces aspartic acid, which is acidic and polar, with asparagine, which is neutral and polar, at codon 159 of the MYH7 protein (p.Asp159Asn). This variant is not present in population databases (gnomAD no frequency). This missense change has been observed in individual(s) with left ventricular noncompaction (PMID: 31568572). ClinVar contains an entry for this variant (Variation ID: 691816). Advanced modeling of protein sequence and biophysical properties (such as structural, functional, and spatial information, amino acid conservation, physicochemical variation, residue mobility, and thermodynamic stability) performed at Invitae indicates that this missense variant is expected to disrupt MYH7 protein function with a positive predictive value of 95%. In summary, the available evidence is currently insufficient to determine the role of this variant in disease. Therefore, it has been classified as a Variant of Uncertain Significance.

Klaassen Lab, Charite University Medicine Berlin
Classification: Uncertain significance for Left ventricular noncompaction cardiomyopathy. Last evaluated: 2019-07-03. Review status: criteria provided, single submitter. Criteria: ACMG Guidelines, 2015. Collection method: research. Allele origin: germline. Affected: yes.

Literature cited by the submitters: PubMed 31568572 (cited by Labcorp Genetics (formerly Invitae), Labcorp and Klaassen Lab, Charite University Medicine Berlin); PubMed 31333075 (cited by Klaassen Lab, Charite University Medicine Berlin).